The following is an entry in ClinVar:

ClinVar aggregate classification (germline): Uncertain significance (1 of 4 stars; one submission).

Conditions:
Lower urinary tract obstruction, congenital. Identifiers: MedGen C5231427, MONDO:0032833, OMIM 618612.

gnomAD v4.1: 7 of 1,614,094 alleles (0.00043%); highest among the groups gnomAD compares: South Asian, 0.0022%; no homozygotes.

Submission:

Victorian Clinical Genetics Services, Murdoch Childrens Research Institute
Classification: Uncertain significance for Lower urinary tract obstruction, congenital. Last evaluated: 2024-10-09. Review status: criteria provided, single submitter. Criteria: ACMG Guidelines, 2015. Collection method: clinical testing. Allele origin: germline. Inheritance: Autosomal dominant inheritance. Affected: yes.
Comment: Based on the classification scheme VCGS_Germline_v1.3.4, this variant is classified as VUS-3B. Following criteria are met: 0102 - Loss of function is a likely mechanism of disease in this gene and is associated with congenital lower urinary tract obstruction (MIM#618612). (I) 0107 - This gene is associated with autosomal dominant disease. (I) 0200 - Variant is predicted to result in a missense amino acid change from valine to isoleucine. (I) 0251 - This variant is heterozygous. (I) 0302 - Variant is present in gnomAD (v3) <0.001 for a dominant condition (2 heterozygotes, 0 homozygotes). (SP) 0503 - Missense variant consistently predicted to be tolerated by multiple in silico tools or not conserved in placental mammals with a minor amino acid change. (SB) 0604 - Variant is not located in an established domain, motif, hotspot or informative constraint region. (I) 0705 - No comparable missense variants have previous evidence for pathogenicity. (I) 0807 - This variant has no previous evidence of pathogenicity. (I) 0905 - No published segregation evidence has been identified for this variant. (I) 1007 - No published functional evidence has been identified for this variant. (I) 1208 - Inheritance information for this variant is not currently available in this individual. (I) Legend: (SP) - Supporting pathogenic, (I) - Information, (SB) - Supporting benign

NM_017637.6(BNC2):c.586G>A (p.Val196Ile)

Gene: BNC2 (basonuclin zinc finger protein 2; minus strand). Cytogenetic location: 9p22.3.
Variant type: single nucleotide variant.
Coding change: c.586G>A on transcript NM_017637.6 (MANE Select); coding-DNA position 586, G replaced by A.
Protein change: p.Val196Ile; replaces valine 196 with isoleucine.
Molecular consequence: missense variant.
Genome position (GRCh38, 1-based): chr9:16,552,613, C>T on the plus strand (G>A on the coding strand, the complement: BNC2 is on the minus strand). VCF-style: chr9-16552613-C-T. GRCh37 (hg19) VCF-style: chr9-16552611-C-T.
Other names: c.460G>A, p.Val154Ile (NM_001317939.2); c.301G>A, p.Val101Ile (NM_001317940.2); short protein forms V101I, V154I, V196I.
Identifiers: ClinVar variation 3377173 (VCV003377173.1).